The following is an entry in ClinVar:

NM_003172.4(SURF1):c.55-2A>G

Genes: SURF1 (SURF1 cytochrome c oxidase assembly factor; minus strand), LOC130002899 (ATAC-STARR-seq lymphoblastoid silent region 20452; plus strand). Cytogenetic location: 9q34.2.
Variant type: single nucleotide variant.
Coding change: c.55-2A>G on transcript NM_003172.4 (MANE Select); the canonical splice acceptor site of the intron before coding-DNA position 55, A replaced by G.
Molecular consequence: splice acceptor variant. On other transcripts: intron variant (1).
Genome position (GRCh38, 1-based): chr9:133,356,322, T>C on the plus strand (A>G on the coding strand, the complement: SURF1 is on the minus strand). VCF-style: chr9-133356322-T-C. GRCh37 (hg19) VCF-style: chr9-136223177-T-C.
Other names: c.-222+78A>G (NM_001280787.1).
Identifiers: ClinVar variation 3690632 (VCV003690632.4).

ClinVar aggregate classification (germline): Likely pathogenic. Review status: criteria provided, multiple submitters, no conflicts (2 of 4 stars). 2 submissions from 2 submitters: Likely pathogenic (2). Last evaluated 2025-10-09.

Conditions:
Mitochondrial complex IV deficiency, nuclear type 1 (MC4DN1). Also called: Mitochondrial complex IV deficiency; Complex 4 mitochondrial respiratory chain deficiency; Deficiency of mitochondrial respiratory chain complex4; Complex IV deficiency; COX DEFICIENCY. Identifiers: MedGen C5435656, MONDO:0700250, OMIM 220110. Disease mechanism: loss of function.
Leigh syndrome (NULS). Also called: Leigh's necrotizing encephalopathy; Leigh's disease; Leigh Syndrome (mtDNA deletion); Leigh Disease; Subacute necrotizing encephalopathy; Necrotizing encephalopathy infantile subacute of Leigh. Identifiers: Orphanet 506, MedGen C2931891, MONDO:0009723, OMIM 256000.

Submissions (2):

Dasa
Classification: Likely pathogenic for Mitochondrial complex IV deficiency, nuclear type 1. Last evaluated: 2025-10-09. Review status: criteria provided, single submitter. Criteria: DASA Assertion Criteria. Collection method: clinical testing. Allele origin: germline.
Comment: NM_003172.4(SURF1):c.55-2A>G affects a canonical splice site and is predicted to disrupt normal RNA splicing. Loss of function is an established disease mechanism for SURF1-associated disorders. Also, this variant is rare in population databases. Based on the currently available evidence, this variant is classified as likely pathogenic.

Labcorp Genetics (formerly Invitae), Labcorp
Classification: Likely pathogenic for Leigh syndrome. Last evaluated: 2024-08-30. Review status: criteria provided, single submitter. Criteria: Invitae Variant Classification Sherloc (09022015). Collection method: clinical testing. Allele origin: germline.
Comment: This sequence change affects an acceptor splice site in intron 1 of the SURF1 gene. It is expected to disrupt RNA splicing. Variants that disrupt the donor or acceptor splice site typically lead to a loss of protein function (PMID: 16199547), and loss-of-function variants in SURF1 are known to be pathogenic (PMID: 10443880, 22488715, 24027061). This variant is not present in population databases (gnomAD no frequency). This variant has not been reported in the literature in individuals affected with SURF1-related conditions. Algorithms developed to predict the effect of sequence changes on RNA splicing suggest that this variant may disrupt the consensus splice site. In summary, the currently available evidence indicates that the variant is pathogenic, but additional data are needed to prove that conclusively. Therefore, this variant has been classified as Likely Pathogenic.

Literature cited by the submitters: PubMed 16199547 (cited by Labcorp Genetics (formerly Invitae), Labcorp); PubMed 10443880 (cited by Labcorp Genetics (formerly Invitae), Labcorp); PubMed 22488715 (cited by Labcorp Genetics (formerly Invitae), Labcorp); PubMed 24027061 (cited by Labcorp Genetics (formerly Invitae), Labcorp).